The following is an entry in ClinVar:

ClinVar aggregate classification (germline): Uncertain significance (1 of 4 stars; one submission).

Submission:

GeneDx
Classification: Uncertain significance. Last evaluated: 2026-03-31. Review status: criteria provided, single submitter. Criteria: GeneDx Variant Classification Process June 2021. Collection method: clinical testing. Allele origin: germline.
Comment: Not observed at significant frequency in large population cohorts (gnomAD); Nucleotide is not conserved across species and the substitution has no predicted effect on splicing; Has not been previously published as pathogenic or benign to our knowledge; Alters the Kozak sequence, which plays a major role in the initiation of translation

NM_025216.3(WNT10A):c.-1C>T

Gene: WNT10A (Wnt family member 10A; plus strand). Cytogenetic location: 2q35.
Variant type: single nucleotide variant.
Coding change: c.-1C>T on transcript NM_025216.3 (MANE Select); 1 bases upstream of the start codon, C replaced by T.
Molecular consequence: 5 prime UTR variant.
Genome position (GRCh38, 1-based): chr2:218,880,995, C>T. VCF-style: chr2-218880995-C-T. GRCh37 (hg19) VCF-style: chr2-219745717-C-T.
Identifiers: ClinVar variation 5017995 (VCV005017995.1).
Genomic context (GRCh38, chr2:218,880,995, plus strand): 5'-GGCTCTCCAGTCCCACTGGGCTGTGAGCCCCCCACTCCCAGCCCGTCAGGGCCTGCGCGC[C>T]ATGGGCAGCGCCCACCCTCGCCCCTGGCTGCGGCTCCGACCCCAGCCCCAGCCGCGGCCA-3'